The following is an entry in ClinVar:

ClinVar aggregate classification (germline): Uncertain significance (1 of 4 stars; one submission).

gnomAD v4.1: 1 of 1,603,088 alleles (0.000062%); highest among the groups gnomAD compares: Non-Finnish European, 0.000085%; no homozygotes.

Submission:

Labcorp Genetics (formerly Invitae), Labcorp
Classification: Uncertain significance. Last evaluated: 2024-07-29. Review status: criteria provided, single submitter. Criteria: Invitae Variant Classification Sherloc (09022015). Collection method: clinical testing. Allele origin: germline.
Comment: This sequence change replaces arginine, which is basic and polar, with lysine, which is basic and polar, at codon 429 of the NAA15 protein (p.Arg429Lys). This variant is not present in population databases (gnomAD no frequency). This variant has not been reported in the literature in individuals affected with NAA15-related conditions. An algorithm developed to predict the effect of missense changes on protein structure and function (PolyPhen-2) suggests that this variant is likely to be tolerated. In summary, the available evidence is currently insufficient to determine the role of this variant in disease. Therefore, it has been classified as a Variant of Uncertain Significance.

NM_057175.5(NAA15):c.1286G>A (p.Arg429Lys)

Gene: NAA15 (N-alpha-acetyltransferase 15, NatA auxiliary subunit; plus strand). Cytogenetic location: 4q31.1.
Variant type: single nucleotide variant.
Coding change: c.1286G>A on transcript NM_057175.5 (MANE Select); coding-DNA position 1286, G replaced by A.
Protein change: p.Arg429Lys; replaces arginine 429 with lysine.
Molecular consequence: missense variant.
Genome position (GRCh38, 1-based): chr4:139,359,771, G>A. VCF-style: chr4-139359771-G-A. GRCh37 (hg19) VCF-style: chr4-140280925-G-A.
Other names: c.1286G>A, p.Arg429Lys (NM_001410842.1); short protein forms R429K.
Identifiers: ClinVar variation 3686428 (VCV003686428.2).